The following is an entry in ClinVar:

NM_000059.4(BRCA2):c.5674G>T (p.Gly1892Cys)

Gene: BRCA2 (BRCA2 DNA repair associated; plus strand). Cytogenetic location: 13q13.1.
Variant type: single nucleotide variant.
Coding change: c.5674G>T on transcript NM_000059.4 (MANE Select); coding-DNA position 5674, G replaced by T.
Protein change: p.Gly1892Cys; replaces glycine 1892 with cysteine.
Molecular consequence: missense variant.
Genome position (GRCh38, 1-based): chr13:32,340,029, G>T. VCF-style: chr13-32340029-G-T. GRCh37 (hg19) VCF-style: chr13-32914166-G-T.
Other names: short protein forms G1892C.
Identifiers: ClinVar variation 230716 (VCV000230716.8), dbSNP rs786203948, ClinGen allele CA10579661.
Genomic context (GRCh38, chr13:32,340,029, plus strand): 5'-AAAGTAATTAAGGAAAACAACGAGAATAAATCAAAAATTTGCCAAACGAAAATTATGGCA[G>T]GTTGTTACGAGGCATTGGATGATTCAGAGGATATTCTTCATAACTCTCTAGATAATGATG-3'
Protein context (NP_000050.3, residues 1882-1902): SKICQTKIMA[Gly1892Cys]CYEALDDSED

ClinVar aggregate classification (germline): Conflicting classifications of pathogenicity. Review status: criteria provided, conflicting classifications (1 of 4 stars). 2 submissions from 2 submitters: Uncertain significance (1); Likely benign (1). Last evaluated 2025-04-30.

Conditions:
Hereditary cancer-predisposing syndrome. Also called: Neoplastic Syndromes, Hereditary; Tumor predisposition; Hereditary Cancer Syndrome; Hereditary neoplastic syndrome. Identifiers: Orphanet 140162, MedGen C0027672, MeSH D009386, MONDO:0015356.

Submissions (2):

Ambry Genetics
Classification: Uncertain significance for Hereditary cancer-predisposing syndrome. Last evaluated: 2025-04-30. Review status: criteria provided, single submitter. Criteria: Ambry Variant Classification Scheme 2023. Collection method: clinical testing. Allele origin: germline.
Comment: The p.G1892C variant (also known as c.5674G>T), located in coding exon 10 of the BRCA2 gene, results from a G to T substitution at nucleotide position 5674. The glycine at codon 1892 is replaced by cysteine, an amino acid with highly dissimilar properties. This amino acid position is not well conserved in available vertebrate species. In addition, this alteration is predicted to be tolerated by in silico analysis. Based on the available evidence, the clinical significance of this variant remains unclear.

University of Washington Department of Laboratory Medicine, University of Washington
Classification: Likely benign for Hereditary cancer-predisposing syndrome. Last evaluated: 2023-03-23. Review status: criteria provided, single submitter. Criteria: Dines et al. (Genet Med. 2020). Collection method: curation. Allele origin: germline.
Comment: Missense variant in a coldspot region where missense variants are very unlikely to be pathogenic (PMID:31911673).

BRCA2 exon 11 coldspot. Reclassification based on statistical prior probability.